The following is an entry in ClinVar:

NM_000551.4(VHL):c.295C>A (p.Pro99Thr)

Gene: VHL (von Hippel-Lindau tumor suppressor; plus strand). Cytogenetic location: 3p25.3.
Variant type: single nucleotide variant.
Coding change: c.295C>A on transcript NM_000551.4 (MANE Select); coding-DNA position 295, C replaced by A.
Protein change: p.Pro99Thr; replaces proline 99 with threonine.
Molecular consequence: missense variant.
Genome position (GRCh38, 1-based): chr3:10,142,142, C>A. VCF-style: chr3-10142142-C-A. GRCh37 (hg19) VCF-style: chr3-10183826-C-A.
Other names: c.295C>A, p.Pro99Thr (NM_001354723.2, NM_198156.3); short protein forms P99T.
Identifiers: ClinVar variation 998662 (VCV000998662.12), dbSNP rs549807529, ClinGen allele CA351750899.

ClinVar aggregate classification (germline): Conflicting classifications of pathogenicity. Review status: criteria provided, conflicting classifications (1 of 4 stars). 2 submissions from 2 submitters: Uncertain significance (1); Likely benign (1). Last evaluated 2025-03-14.

Conditions:
Chuvash polycythemia. Also called: POLYCYTHEMIA, VHL-DEPENDENT. Identifiers: Orphanet 238557, MedGen C1837915, MONDO:0009892, OMIM 263400.
Von Hippel-Lindau syndrome (VHLS). Also called: VHL syndrome; Von Hippel-Lindau; von Hippel–Lindau syndrome. Identifiers: Orphanet 892, MedGen C0019562, MONDO:0008667, OMIM 193300. Disease mechanism: loss of function.
Hereditary cancer-predisposing syndrome. Also called: Neoplastic Syndromes, Hereditary; Hereditary neoplastic syndrome; Hereditary Cancer Syndrome; Tumor predisposition. Identifiers: Orphanet 140162, MedGen C0027672, MeSH D009386, MONDO:0015356.

Submissions (2):

Ambry Genetics
Classification: Likely benign for Hereditary cancer-predisposing syndrome. Last evaluated: 2025-03-14. Review status: criteria provided, single submitter. Criteria: Ambry Variant Classification Scheme 2023. Collection method: clinical testing. Allele origin: germline.

Labcorp Genetics (formerly Invitae), Labcorp
Classification: Uncertain significance for Von Hippel-Lindau syndrome; Chuvash polycythemia. Last evaluated: 2022-08-16. Review status: criteria provided, single submitter. Criteria: Invitae Variant Classification Sherloc (09022015). Collection method: clinical testing. Allele origin: germline.
Comment: Algorithms developed to predict the effect of missense changes on protein structure and function (SIFT, PolyPhen-2, Align-GVGD) all suggest that this variant is likely to be tolerated. In summary, the available evidence is currently insufficient to determine the role of this variant in disease. Therefore, it has been classified as a Variant of Uncertain Significance. This sequence change replaces proline, which is neutral and non-polar, with threonine, which is neutral and polar, at codon 99 of the VHL protein (p.Pro99Thr). This variant is not present in population databases (gnomAD no frequency). This variant has not been reported in the literature in individuals affected with VHL-related conditions. ClinVar contains an entry for this variant (Variation ID: 998662).

Literature cited by the submitters: PubMed 38969834 (cited by Ambry Genetics).